The following is an entry in ClinVar:

NM_003907.3(EIF2B5):c.2090T>G (p.Leu697Trp)

Gene: EIF2B5 (eukaryotic translation initiation factor 2B subunit epsilon; plus strand). Cytogenetic location: 3q27.1.
Variant type: single nucleotide variant.
Coding change: c.2090T>G on transcript NM_003907.3 (MANE Select); coding-DNA position 2090, T replaced by G.
Protein change: p.Leu697Trp; replaces leucine 697 with tryptophan.
Molecular consequence: missense variant.
Genome position (GRCh38, 1-based): chr3:184,144,691, T>G. VCF-style: chr3-184144691-T-G. GRCh37 (hg19) VCF-style: chr3-183862479-T-G.
Other names: c.2090T>G (NM_003907.2); short protein forms L697W.
Identifiers: ClinVar variation 3234233 (VCV003234233.21), dbSNP rs2473673990, ClinGen allele CA355395866.

ClinVar aggregate classification (germline): Uncertain significance. Review status: criteria provided, multiple submitters, no conflicts (2 of 4 stars). 2 submissions from 2 submitters: Uncertain significance (2). Last evaluated 2024-12-05.

Allele frequency attached by ClinVar (database versions not stated): gnomAD exomes below 0.00001.
gnomAD v4.1: 2 of 1,614,002 alleles (0.00012%); highest among the groups gnomAD compares: Non-Finnish European, 0.00017%; no homozygotes.

Submissions (2):

GeneDx
Classification: Uncertain significance. Last evaluated: 2024-12-05. Review status: criteria provided, single submitter. Criteria: GeneDx Variant Classification Process June 2021. Collection method: clinical testing. Allele origin: germline. Affected: yes.
Comment: Not observed at significant frequency in large population cohorts (gnomAD); In silico analysis supports that this missense variant has a deleterious effect on protein structure/function; Has not been previously published as pathogenic or benign to our knowledge

CeGaT Center for Human Genetics Tuebingen
Classification: Uncertain significance. Last evaluated: 2024-04-01. Review status: criteria provided, single submitter. Criteria: CeGaT Center For Human Genetics Tuebingen Variant Classification Criteria Version 2. Collection method: clinical testing. Allele origin: germline. Affected: yes. Observed: 1 variant allele.
Comment: EIF2B5: PM2